The following is an entry in ClinVar:

NM_001844.5(COL2A1):c.2094+3G>T

Gene: COL2A1 (collagen type II alpha 1 chain; minus strand). Cytogenetic location: 12q13.11.
Variant type: single nucleotide variant.
Coding change: c.2094+3G>T on transcript NM_001844.5 (MANE Select); 3 bases into the intron after coding-DNA position 2094, G replaced by T.
Molecular consequence: intron variant.
Genome position (GRCh38, 1-based): chr12:47,983,090, C>A on the plus strand (G>T on the coding strand, the complement: COL2A1 is on the minus strand). VCF-style: chr12-47983090-C-A. GRCh37 (hg19) VCF-style: chr12-48376873-C-A.
Other names: c.1887+3G>T (NM_033150.3).
Identifiers: ClinVar variation 2871251 (VCV002871251.4), dbSNP rs1191167513, ClinGen allele CA2034450941.
Genomic context (GRCh38, chr12:47,983,090, plus strand): 5'-CAGGAGCATAGGACCCAGGGCAGGCCCAAGGAGGCAGCCCGCATTGGCCAACAGGATACT[C>A]ACCCTGGGACCCACGAGGCCAGGGGCTCCAGCTTCACCGGGAACACCCTGGAGAACAAAG-3'

ClinVar aggregate classification (germline): Uncertain significance. Review status: criteria provided, multiple submitters, no conflicts (2 of 4 stars). 2 submissions from 2 submitters: Uncertain significance (2). Last evaluated 2023-03-30.

Allele frequency attached by ClinVar (database versions not stated): gnomAD exomes below 0.00001.

Submissions (2):

Blueprint Genetics
Classification: Uncertain significance. Last evaluated: 2023-03-30. Review status: criteria provided, single submitter. Criteria: ACMG Guidelines, 2015. Collection method: clinical testing. Allele origin: germline.

Labcorp Genetics (formerly Invitae), Labcorp
Classification: Uncertain significance. Last evaluated: 2022-10-29. Review status: criteria provided, single submitter. Criteria: Invitae Variant Classification Sherloc (09022015). Collection method: clinical testing. Allele origin: germline.
Comment: Variants that disrupt the consensus splice site are a relatively common cause of aberrant splicing (PMID: 17576681, 9536098). Algorithms developed to predict the effect of sequence changes on RNA splicing suggest that this variant is not likely to affect RNA splicing. In summary, the available evidence is currently insufficient to determine the role of this variant in disease. Therefore, it has been classified as a Variant of Uncertain Significance. This variant has not been reported in the literature in individuals affected with COL2A1-related conditions. This sequence change falls in intron 32 of the COL2A1 gene. It does not directly change the encoded amino acid sequence of the COL2A1 protein. It affects a nucleotide within the consensus splice site. This variant is not present in population databases (gnomAD no frequency).

Literature cited by the submitters: PubMed 17576681 (cited by Labcorp Genetics (formerly Invitae), Labcorp); PubMed 9536098 (cited by Labcorp Genetics (formerly Invitae), Labcorp).